The following is an entry in ClinVar:

ClinVar aggregate classification (germline): Likely benign (1 of 4 stars; one submission).

Conditions:
GNAS-related disorder. Identifiers: MedGen CN380105.

Submission:

PreventionGenetics, part of Exact Sciences
Classification: Likely benign for GNAS-related condition. Last evaluated: 2026-09-24. Review status: criteria provided, single submitter. Criteria: ACMG Guidelines, 2015. Collection method: clinical testing. Allele origin: germline.
Comment: This variant is classified as likely benign based on ACMG/AMP sequence variant interpretation guidelines (Richards et al. 2015 PMID: 25741868, with internal and published modifications).

NM_000516.7(GNAS):c.258-10C>G

Gene: GNAS (GNAS complex locus; plus strand). Cytogenetic location: 20q13.32.
Variant type: single nucleotide variant.
Coding change: c.258-10C>G on transcript NM_000516.7 (MANE Select); 10 bases into the intron before coding-DNA position 258, C replaced by G.
Molecular consequence: intron variant.
Genome position (GRCh38, 1-based): chr20:58,903,521, C>G. VCF-style: chr20-58903521-C-G. GRCh37 (hg19) VCF-style: chr20-57478576-C-G.
Other names: c.*161-7C>G (NM_016592.5); c.162-10C>G (NM_001410912.1); c.81-10C>G (NM_001309861.2, NM_001439291.1, NM_001309840.2 and 1 more transcripts); c.*119-10C>G (NM_001077490.3); c.2187-10C>G (NM_080425.4); c.2142-10C>G (NM_001410913.1); c.36-10C>G (NM_001438273.1, NM_001438274.1, NM_001438275.1); c.258-7C>G (NM_001077488.5); and 2 more.
Identifiers: ClinVar variation 4991448 (VCV004991448.1).